The following is an entry in ClinVar:

NC_000002.11:g.(?_228004857)_(228029549_?)del

Genes: COL4A3 (collagen type IV alpha 3 chain; plus strand), COL4A4 (collagen type IV alpha 4 chain; minus strand). Cytogenetic location: 2q36.3.
Variant type: Deletion.
Identifiers: ClinVar variation 2445489 (VCV002445489.1).

ClinVar aggregate classification (germline): Pathogenic (1 of 4 stars; one submission).

Submission:

Labcorp Genetics (formerly Invitae), Labcorp
Classification: Pathogenic. Last evaluated: 2022-08-06. Review status: criteria provided, single submitter. Criteria: Invitae Variant Classification Sherloc (09022015). Collection method: clinical testing. Allele origin: germline.
Comment: This variant is a gross deletion of the genomic region encompassing exon(s) 1-4 of the COL4A4 gene, which includes the initiator codon. This deletion extends beyond the assayed region for this gene and therefore may encompass additional genes. It is expected to result in an absent or disrupted protein product. Loss-of-function variants in COL4A4 are known to be pathogenic (PMID: 21196518, 24854265, 25307543). A similar copy number variant has been observed in individual(s) with autosomal dominant Alport syndrome (PMID: 25575550). For these reasons, this variant has been classified as Pathogenic.

Literature cited by the submitters: PubMed 21196518; PubMed 24854265; PubMed 25307543; PubMed 25575550.